The following is an entry in ClinVar:

ClinVar aggregate classification (germline): Pathogenic (1 of 4 stars; one submission).

Conditions:
Charcot-Marie-Tooth disease type 4. Also called: Charcot-Marie-Tooth disease, type IV; Charcot-Marie-Tooth, Type 4. Identifiers: Orphanet 64749, MedGen C4082197, MONDO:0018995.

Submission:

Labcorp Genetics (formerly Invitae), Labcorp
Classification: Pathogenic for Charcot-Marie-Tooth disease type 4. Last evaluated: 2025-08-11. Review status: criteria provided, single submitter. Criteria: Invitae Variant Classification Sherloc (09022015). Collection method: clinical testing. Allele origin: germline.
Comment: This sequence change creates a premature translational stop signal (p.Asp604Alafs*2) in the SH3TC2 gene. It is expected to result in an absent or disrupted protein product. Loss-of-function variants in SH3TC2 are known to be pathogenic (PMID: 20220177, 27068304). This variant is not present in population databases (gnomAD no frequency). This variant has not been reported in the literature in individuals affected with SH3TC2-related conditions. For these reasons, this variant has been classified as Pathogenic.

Literature cited by the submitters: PubMed 20220177; PubMed 27068304.

NM_024577.4(SH3TC2):c.1807_1810dup (p.Asp604delinsAlaTer)

Gene: SH3TC2 (SH3 domain and tetratricopeptide repeats 2; minus strand). Cytogenetic location: 5q32.
Variant type: Microsatellite.
Coding change: c.1807_1810dup on transcript NM_024577.4 (MANE Select); coding-DNA positions 1807 to 1810, 4 bases duplicated (CCTG; older notation c.1807_1810dupCCTG).
Protein change: p.Asp604delinsAlaTer.
Molecular consequence: nonsense.
Genome position (GRCh38, 1-based): chr5:149,027,922-149,027,925, CAGG duplicated on the plus strand (CCTG on the coding strand, the reverse complement: SH3TC2 is on the minus strand); duplicating any 4 consecutive bases within chr5:149,027,922-149,027,934 gives the same sequence; the c. name uses the placement nearest the transcript's 3' end. VCF-style (leftmost placement, unchanged base first): chr5-149027921-T-TCAGG. GRCh37 (hg19) VCF-style: chr5-148407484-T-TCAGG.
Identifiers: ClinVar variation 4770475 (VCV004770475.1).